The following is an entry in ClinVar:

ClinVar aggregate classification (germline): Benign/Likely benign. Review status: criteria provided, multiple submitters, no conflicts (2 of 4 stars). 4 submissions from 4 submitters: Benign (1); Likely benign (3). Last evaluated 2025-07-07.

Conditions:
Cowden syndrome (CS). Also called: Cowden's disease; Cowden's syndrome; Cowden disease. Identifiers: Orphanet 201, MedGen C0018553, MONDO:0016063. Disease mechanism: gain of function.
Inborn genetic diseases. Identifiers: MedGen C0950123, MeSH D030342.

Allele frequency attached by ClinVar (database versions not stated): gnomAD below 0.00001 and 0.00008; TOPMed 0.00002; gnomAD exomes 0.00008 and 0.00023; ExAC 0.00024; 1000 Genomes Project 0.00040; 1000 Genomes Project 30x 0.00047.
gnomAD v4.1: 136 of 1,603,566 alleles (0.0085%); highest among the groups gnomAD compares: South Asian, 0.14%; 1 homozygote.

Submissions (4):

Labcorp Genetics (formerly Invitae), Labcorp
Classification: Benign for Cowden syndrome. Last evaluated: 2025-07-07. Review status: criteria provided, single submitter. Criteria: Invitae Variant Classification Sherloc (09022015). Collection method: clinical testing. Allele origin: germline.

Blueprint Genetics
Classification: Likely benign. Last evaluated: 2024-08-19. Review status: criteria provided, single submitter. Criteria: ACMG Guidelines, 2015. Collection method: clinical testing. Allele origin: germline.

CeGaT Center for Human Genetics Tuebingen
Classification: Likely benign. Last evaluated: 2023-08-01. Review status: criteria provided, single submitter. Criteria: CeGaT Center For Human Genetics Tuebingen Variant Classification Criteria Version 2. Collection method: clinical testing. Allele origin: germline. Affected: yes. Observed: 1 variant allele.
Comment: PIK3CA: BP4, BP7, BS1

Ambry Genetics
Classification: Likely benign for Inborn genetic diseases. Last evaluated: 2022-03-15. Review status: criteria provided, single submitter. Criteria: Ambry Variant Classification Scheme 2023. Collection method: clinical testing. Allele origin: germline.

NM_006218.4(PIK3CA):c.1809C>T (p.Asp603=)

Gene: PIK3CA (phosphatidylinositol-4,5-bisphosphate 3-kinase catalytic subunit alpha; plus strand). Cytogenetic location: 3q26.32.
Variant type: single nucleotide variant.
Coding change: c.1809C>T on transcript NM_006218.4 (MANE Select); coding-DNA position 1809, C replaced by T.
Protein change: p.Asp603=; no amino-acid change (aspartic acid 603 retained).
Molecular consequence: synonymous variant.
Genome position (GRCh38, 1-based): chr3:179,219,633, C>T. VCF-style: chr3-179219633-C-T. GRCh37 (hg19) VCF-style: chr3-178937421-C-T.
Identifiers: ClinVar variation 699107 (VCV000699107.38), dbSNP rs558223824, ClinGen allele CA2710809.